The following is an entry in ClinVar:

ClinVar aggregate classification (germline): Likely benign. Review status: criteria provided, multiple submitters, no conflicts (2 of 4 stars). 6 submissions from 6 submitters: Likely benign (6). Last evaluated 2026-06-25.

Conditions:
ADGRV1-related disorder. Also called: ADGRV1-related disorders; ADGRV1-related condition.

Allele frequency attached by ClinVar (database versions not stated): gnomAD 0.00005 and 0.00006; TOPMed 0.00007; ESP Exome Variant Server 0.00008; gnomAD exomes 0.00008 and 0.00012; ExAC 0.00036.
gnomAD v4.1: 127 of 1,561,488 alleles (0.0081%); highest among the groups gnomAD compares: Middle Eastern, 0.017%; no homozygotes.

Submissions (6):

Women's Health and Genetics/Laboratory Corporation of America, LabCorp
Classification: Likely benign. Last evaluated: 2026-06-25. Review status: criteria provided, single submitter. Criteria: LabCorp Variant Classification Summary - May 2015. Collection method: clinical testing. Allele origin: germline.
Comment: Variant summary: ADGRV1 c.4349A>G (p.Lys1450Arg) results in a conservative amino acid change in the encoded protein sequence. Algorithms developed to predict the effect of missense changes on protein structure and function are either unavailable or do not agree on the potential impact of this missense change. The variant allele was found at a frequency of 0.00012 in 168170 control chromosomes, predominantly at a frequency of 0.0018 within the Ashkenazi Jewish subpopulation in the gnomAD database. The observed variant frequency within Ashkenazi Jewish control individuals in the gnomAD database exceeds the estimated maximal expected allele frequency for disease-causing variants in ADGRV1. c.4349A>G has been observed in an individual affected with retinitis pigmentosa without other features of Usher Syndrome who was compound heterozygous with another missense variant (Ge_2015). This report does not provide unequivocal conclusions about association of the variant with disease. To our knowledge, no experimental evidence demonstrating an impact on protein function has been reported. The following publication has been ascertained in the context of this evaluation (PMID: 26667666). ClinVar contains an entry for this variant (Variation ID: 46328). Based on the evidence outlined above, the variant was classified as likely benign.

Labcorp Genetics (formerly Invitae), Labcorp
Classification: Likely benign. Last evaluated: 2026-01-03. Review status: criteria provided, single submitter. Criteria: Invitae Variant Classification Sherloc (09022015). Collection method: clinical testing. Allele origin: germline.

PreventionGenetics, part of Exact Sciences
Classification: Likely benign for ADGRV1-related condition. Last evaluated: 2025-07-24. Review status: criteria provided, single submitter. Criteria: ACMG Guidelines, 2015. Collection method: clinical testing. Allele origin: germline.
Comment: This variant is classified as likely benign based on ACMG/AMP sequence variant interpretation guidelines (Richards et al. 2015 PMID: 25741868, with internal and published modifications).

Blueprint Genetics
Classification: Likely benign. Last evaluated: 2024-09-23. Review status: criteria provided, single submitter. Criteria: ACMG Guidelines, 2015. Collection method: clinical testing. Allele origin: germline.

GeneDx
Classification: Likely benign. Last evaluated: 2020-10-21. Review status: criteria provided, single submitter. Criteria: GeneDx Variant Classification Process June 2021. Collection method: clinical testing. Allele origin: germline. Affected: yes.
Comment: This variant is associated with the following publications: (PMID: 26667666)

Laboratory for Molecular Medicine, Mass General Brigham Personalized Medicine
Classification: Likely benign. Last evaluated: 2011-01-07. Review status: criteria provided, single submitter. Criteria: LMM Criteria. Collection method: clinical testing. Allele origin: germline. Observed: 1 variant allele.
Comment: Lys1450Arg in exon 20 of GPR98: This variant is not expected to have clinical si gnificance because this residue is not highly conserved across species. Of note, rabbit has an arginine at this position.

Literature cited by the submitters: PubMed 26667666 (cited by Women's Health and Genetics/Laboratory Corporation of America, LabCorp).

NM_032119.4(ADGRV1):c.4349A>G (p.Lys1450Arg)

Gene: ADGRV1 (adhesion G protein-coupled receptor V1; plus strand). Cytogenetic location: 5q14.3.
Variant type: single nucleotide variant.
Coding change: c.4349A>G on transcript NM_032119.4 (MANE Select); coding-DNA position 4349, A replaced by G.
Protein change: p.Lys1450Arg; replaces lysine 1450 with arginine.
Molecular consequence: missense variant. On other transcripts: non-coding transcript variant (1).
Genome position (GRCh38, 1-based): chr5:90,653,923, A>G. VCF-style: chr5-90653923-A-G. GRCh37 (hg19) VCF-style: chr5-89949740-A-G.
Other names: short protein forms K1450R.
Identifiers: ClinVar variation 46328 (VCV000046328.16), dbSNP rs372188446, ClinGen allele CA138130.